The following is an entry in ClinVar:

ClinVar aggregate classification (germline): Conflicting classifications of pathogenicity. Review status: criteria provided, conflicting classifications (1 of 4 stars). 2 submissions from 2 submitters: Likely pathogenic (1); Uncertain significance (1). Last evaluated 2022-05-24.

Conditions:
Hereditary cancer-predisposing syndrome. Also called: Neoplastic Syndromes, Hereditary; Hereditary Cancer Syndrome; Tumor predisposition; Hereditary neoplastic syndrome. Identifiers: Orphanet 140162, MedGen C0027672, MeSH D009386, MONDO:0015356.

Submissions (2):

Ambry Genetics
Classification: Uncertain significance for Hereditary cancer-predisposing syndrome. Last evaluated: 2022-05-24. Review status: criteria provided, single submitter. Criteria: Ambry Variant Classification Scheme 2023. Collection method: clinical testing. Allele origin: germline.
Comment: The c.1453+1G>A intronic variant results from a G to A substitution one nucleotide after coding exon 9 of the MSH3 gene. Alterations that disrupt the canonical splice site are expected to result in aberrant splicing. In silico splice site analysis predicts that this alteration will weaken the native splice donor site and a predicted novel splice donor site is inconclusive. The resulting transcript is predicted to be in-frame and is not expected to trigger nonsense-mediated mRNA decay; however, direct evidence is unavailable. The exact functional effect of the altered amino acid sequence is unknown. This nucleotide position is highly conserved in available vertebrate species. Since supporting evidence is limited at this time, the clinical significance of this alteration remains unclear.

Labcorp Genetics (formerly Invitae), Labcorp
Classification: Likely pathogenic. Last evaluated: 2019-11-14. Review status: criteria provided, single submitter. Criteria: Invitae Variant Classification Sherloc (09022015). Collection method: clinical testing. Allele origin: germline.
Comment: This sequence change affects a donor splice site in intron 9 of the MSH3 gene. It is expected to disrupt RNA splicing and likely results in an absent or disrupted protein product. This variant is not present in population databases (ExAC no frequency). This variant has not been reported in the literature in individuals with MSH3-related conditions. Donor and acceptor splice site variants typically lead to a loss of protein function (PMID: 16199547), and loss-of-function variants in MSH3 are known to be pathogenic (PMID: 27476653). In summary, the currently available evidence indicates that the variant is pathogenic, but additional data are needed to prove that conclusively. Therefore, this variant has been classified as Likely Pathogenic.

Literature cited by the submitters: PubMed 16199547 (cited by Labcorp Genetics (formerly Invitae), Labcorp); PubMed 27476653 (cited by Labcorp Genetics (formerly Invitae), Labcorp).

NM_002439.5(MSH3):c.1453+1G>A

Gene: MSH3 (mutS homolog 3; plus strand). Cytogenetic location: 5q14.1.
Variant type: single nucleotide variant.
Coding change: c.1453+1G>A on transcript NM_002439.5 (MANE Select); the canonical splice donor site of the intron after coding-DNA position 1453, G replaced by A.
Molecular consequence: splice donor variant.
Genome position (GRCh38, 1-based): chr5:80,725,566, G>A. VCF-style: chr5-80725566-G-A. GRCh37 (hg19) VCF-style: chr5-80021385-G-A.
Identifiers: ClinVar variation 969352 (VCV000969352.10), dbSNP rs1743273255, ClinGen allele CA360273786.